The following is an entry in ClinVar:

ClinVar aggregate classification (germline): Uncertain significance (1 of 4 stars; one submission).

Conditions:
KMT2D-related disorder. Also called: KMT2D-Related Disorders.

gnomAD v4.1: 1 of 1,613,846 alleles (0.000062%); highest among the groups gnomAD compares: South Asian, 0.0011%; no homozygotes.

Submission:

PreventionGenetics, part of Exact Sciences
Classification: Uncertain significance for KMT2D-related condition. Last evaluated: 2026-04-05. Review status: criteria provided, single submitter. Criteria: ACMG Guidelines, 2015. Collection method: clinical testing. Allele origin: germline.
Comment: The KMT2D c.7801A>G variant is predicted to result in the amino acid substitution p.Thr2601Ala. To our knowledge, this variant has not been reported in the literature or in a large population database (gnomAD), indicating this variant is rare. At this time, the clinical significance of this variant is uncertain due to the absence of conclusive functional and genetic evidence.

NM_003482.4(KMT2D):c.7801A>G (p.Thr2601Ala)

Gene: KMT2D (lysine methyltransferase 2D; minus strand). Cytogenetic location: 12q13.12.
Variant type: single nucleotide variant.
Coding change: c.7801A>G on transcript NM_003482.4 (MANE Select); coding-DNA position 7801, A replaced by G.
Protein change: p.Thr2601Ala; replaces threonine 2601 with alanine.
Molecular consequence: missense variant.
Genome position (GRCh38, 1-based): chr12:49,039,969, T>C on the plus strand (A>G on the coding strand, the complement: KMT2D is on the minus strand). VCF-style: chr12-49039969-T-C. GRCh37 (hg19) VCF-style: chr12-49433752-T-C.
Other names: short protein forms T2601A.
Identifiers: ClinVar variation 4989837 (VCV004989837.1).
Genomic context (GRCh38, chr12:49,039,969, plus strand): 5'-GTGCAGGTGGTGGCAGAACCGACGGAGGGCGTAGTGGGGACAGCCCATAGCTCTCCCCTG[T>C]GGACCCGCTGCTGGGCCCCAGGGGGCTGCCCGATGGGTGGAAGTTCCCTGTGGCTACTGT-3'
Protein context (NP_003473.3, residues 2591-2611): GSPLGPSSGS[Thr2601Ala]GESYGLSPLR